The following is an entry in ClinVar:

NM_001853.4(COL9A3):c.179C>T (p.Pro60Leu)

Gene: COL9A3 (collagen type IX alpha 3 chain; plus strand). Cytogenetic location: 20q13.33.
Variant type: single nucleotide variant.
Coding change: c.179C>T on transcript NM_001853.4 (MANE Select); coding-DNA position 179, C replaced by T.
Protein change: p.Pro60Leu; replaces proline 60 with leucine.
Molecular consequence: missense variant.
Genome position (GRCh38, 1-based): chr20:62,818,549, C>T. VCF-style: chr20-62818549-C-T. GRCh37 (hg19) VCF-style: chr20-61449901-C-T.
Other names: short protein forms P60L.
Identifiers: ClinVar variation 1461799 (VCV001461799.8), dbSNP rs751658593, ClinGen allele CA9949040.

ClinVar aggregate classification (germline): Uncertain significance (1 of 4 stars; one submission).

Allele frequency attached by ClinVar (database versions not stated): gnomAD exomes 0.00001 and 0.00002; gnomAD 0.00003; ExAC 0.00005.
gnomAD v4.1: 17 of 1,612,892 alleles (0.0011%); highest among the groups gnomAD compares: East Asian, 0.016%; no homozygotes.

Submission:

Labcorp Genetics (formerly Invitae), Labcorp
Classification: Uncertain significance. Last evaluated: 2022-08-22. Review status: criteria provided, single submitter. Criteria: Invitae Variant Classification Sherloc (09022015). Collection method: clinical testing. Allele origin: germline.
Comment: This variant has not been reported in the literature in individuals affected with COL9A3-related conditions. In summary, the available evidence is currently insufficient to determine the role of this variant in disease. Therefore, it has been classified as a Variant of Uncertain Significance. Advanced modeling of protein sequence and biophysical properties (such as structural, functional, and spatial information, amino acid conservation, physicochemical variation, residue mobility, and thermodynamic stability) performed at Invitae indicates that this missense variant is not expected to disrupt COL9A3 protein function. ClinVar contains an entry for this variant (Variation ID: 1461799). This variant is present in population databases (rs751658593, gnomAD 0.04%). This sequence change replaces proline, which is neutral and non-polar, with leucine, which is neutral and non-polar, at codon 60 of the COL9A3 protein (p.Pro60Leu).